The following is an entry in ClinVar:

ClinVar aggregate classification (germline): Uncertain significance (1 of 4 stars; one submission).

Conditions:
Pigmentary pallidal degeneration (NBIA1). Also called: Neuroaxonal dystrophy, late infantile; Hallervorden-Spatz disease; HARP SYNDROME; PKAN NEUROAXONAL DYSTROPHY, JUVENILE-ONSET; Neurodegeneration with brain iron accumulation 1; Pantothenate Kinase-Associated Neurodegeneration. Identifiers: Orphanet 157850, MedGen C0018523, MONDO:0009319, OMIM 234200.

Allele frequency attached by ClinVar (database versions not stated): gnomAD exomes below 0.00001.

Submission:

Labcorp Genetics (formerly Invitae), Labcorp
Classification: Uncertain significance for Pigmentary pallidal degeneration. Last evaluated: 2021-08-30. Review status: criteria provided, single submitter. Criteria: Invitae Variant Classification Sherloc (09022015). Collection method: clinical testing. Allele origin: germline.
Comment: This sequence change replaces isoleucine with threonine at codon 497 of the PANK2 protein (p.Ile497Thr). The isoleucine residue is highly conserved and there is a moderate physicochemical difference between isoleucine and threonine. This variant is not present in population databases (ExAC no frequency). This missense change has been observed in individual(s) with Hallervorden-Spatz syndrome (PMID: 11479594). This variant is also known as I387T. Algorithms developed to predict the effect of missense changes on protein structure and function are either unavailable or do not agree on the potential impact of this missense change (SIFT: "Deleterious"; PolyPhen-2: "Probably Damaging"; Align-GVGD: "Class C0"). In summary, the available evidence is currently insufficient to determine the role of this variant in disease. Therefore, it has been classified as a Variant of Uncertain Significance.

Literature cited by the submitters: PubMed 11479594.

NM_001386393.1(PANK2):c.1160T>C (p.Ile387Thr)

Gene: PANK2 (pantothenate kinase 2; plus strand). Cytogenetic location: 20p13.
Variant type: single nucleotide variant.
Coding change: c.1160T>C on transcript NM_001386393.1 (MANE Select); coding-DNA position 1160, T replaced by C.
Protein change: p.Ile387Thr; replaces isoleucine 387 with threonine.
Molecular consequence: missense variant. On other transcripts: non-coding transcript variant (1).
Genome position (GRCh38, 1-based): chr20:3,917,004, T>C. VCF-style: chr20-3917004-T-C. GRCh37 (hg19) VCF-style: chr20-3897651-T-C.
Other names: c.617T>C, p.Ile206Thr (NM_001324191.2, NM_024960.6, NM_153640.4); c.182T>C, p.Ile61Thr (NM_001324193.2); c.1490T>C, p.Ile497Thr (NM_153638.4); short protein forms I206T, I497T, I61T, I387T.
Identifiers: ClinVar variation 998434 (VCV000998434.6), dbSNP rs2090571848, ClinGen allele CA408119390.